The following is an entry in ClinVar:

ClinVar aggregate classification (germline): Uncertain significance (1 of 4 stars; one submission).

Submission:

Labcorp Genetics (formerly Invitae), Labcorp
Classification: Uncertain significance. Last evaluated: 2024-08-08. Review status: criteria provided, single submitter. Criteria: Invitae Variant Classification Sherloc (09022015). Collection method: clinical testing. Allele origin: germline.
Comment: This variant, c.314_343del, results in the deletion of 10 amino acid(s) of the GATA5 protein (p.Gly105_Ser114del), but otherwise preserves the integrity of the reading frame. This variant is not present in population databases (gnomAD no frequency). This variant has not been reported in the literature in individuals affected with GATA5-related conditions. Experimental studies and prediction algorithms are not available or were not evaluated, and the functional significance of this variant is currently unknown. In summary, the available evidence is currently insufficient to determine the role of this variant in disease. Therefore, it has been classified as a Variant of Uncertain Significance.

NM_080473.5(GATA5):c.314_343del (p.Gly105_Ser114del)

Gene: GATA5 (GATA binding protein 5; minus strand). Cytogenetic location: 20q13.33.
Variant type: Deletion.
Coding change: c.314_343del on transcript NM_080473.5 (MANE Select); coding-DNA positions 314 to 343, 30 bases deleted (GCGGCAGCGCGGGGGGCCGAGACGGCAGTG).
Protein change: p.Gly105_Ser114del.
Genome position (GRCh38, 1-based): chr20:62,475,179-62,475,208, CACTGCCGTCTCGGCCCCCCGCGCTGCCGC deleted on the plus strand (GCGGCAGCGCGGGGGGCCGAGACGGCAGTG on the coding strand, the reverse complement: GATA5 is on the minus strand); deleting any 30 consecutive bases within chr20:62,475,179-62,475,209 gives the same sequence; the c. name uses the placement nearest the transcript's 3' end. VCF-style (leftmost placement, unchanged base first): chr20-62475178-GCACTGCCGTCTCGGCCCCCCGCGCTGCCGC-G. GRCh37 (hg19) VCF-style: chr20-61050234-GCACTGCCGTCTCGGCCCCCCGCGCTGCCGC-G.
Identifiers: ClinVar variation 3675720 (VCV003675720.2).
Genomic context (GRCh38, chr20:62,475,178, plus strand): 5'-CCCACCGGCCGCCCAAGCGGGGCCGCGAACTGTTCTCGAGGCAACAGCGCGCCCTGGTAG[GCACTGCCGTCTCGGCCCCCCGCGCTGCCGC>G]CGCTGCCGGGCCCCGAGGGGCTGTGCGCGAAAGGGAAGGCGGTGGCCCCGGGCGGGTGCG-3'